The following is an entry in ClinVar:

NM_024422.6(DSC2):c.1757A>G (p.Lys586Arg)

Gene: DSC2 (desmocollin 2; minus strand). Cytogenetic location: 18q12.1.
Variant type: single nucleotide variant.
Coding change: c.1757A>G on transcript NM_024422.6 (MANE Select); coding-DNA position 1757, A replaced by G.
Protein change: p.Lys586Arg; replaces lysine 586 with arginine.
Molecular consequence: missense variant.
Genome position (GRCh38, 1-based): chr18:31,074,814, T>C on the plus strand (A>G on the coding strand, the complement: DSC2 is on the minus strand). VCF-style: chr18-31074814-T-C. GRCh37 (hg19) VCF-style: chr18-28654780-T-C.
Other names: c.1328A>G, p.Lys443Arg (NM_001406506.1, NM_001406507.1); c.1757A>G, p.Lys586Arg (NM_004949.5); short protein forms K443R, K586R.
Identifiers: ClinVar variation 3069641 (VCV003069641.1), dbSNP rs2510942901, ClinGen allele CA402114136.
Genomic context (GRCh38, chr18:31,074,814, plus strand): 5'-GGGCCATGGATAGGCTCATCAGGATCAACCGCAACAATCTCCGCAGATGACATGGTGGGT[T>C]TGCAGATGATCACTGTCTTTTTAGGTATGAATGGGCTGTTATCATTCACGTCTTGAAGTA-3'
Protein context (NP_077740.1, residues 576-596): FIPKKTVIIC[Lys586Arg]PTMSSAEIVA

ClinVar aggregate classification (germline): Uncertain significance (1 of 4 stars; one submission).

Conditions:
Familial isolated arrhythmogenic right ventricular dysplasia. Identifiers: Orphanet 217656, MedGen C4274968, MONDO:0016342.

Submission:

All of Us Research Program, National Institutes of Health
Classification: Uncertain significance for Familial isolated arrhythmogenic right ventricular dysplasia. Last evaluated: 2023-02-24. Review status: criteria provided, single submitter. Criteria: ACMG Guidelines, 2015. Collection method: clinical testing. Allele origin: germline. Inheritance: Autosomal dominant inheritance. Observed: 1 variant allele, 1 heterozygote.
Comment: This missense variant replaces lysine with arginine at codon 586 of the DSC2 protein. Computational prediction suggests that this variant may not impact protein structure and function (internally defined REVEL score threshold <= 0.5, PMID: 27666373). To our knowledge, functional studies have not been reported for this variant. This variant has not been reported in individuals affected with DSC2-related disorders in the literature. This variant has not been identified in the general population by the Genome Aggregation Database (gnomAD). The available evidence is insufficient to determine the role of this variant in disease conclusively. Therefore, this variant is classified as a Variant of Uncertain Significance.

This study involves interpretation of variants in research participants for the purpose of population health screening. Participant phenotype was not available at the time of variant classification. Additional details can be found in publication PMID: 35346344, PMCID: PMC8962531